The following is an entry in ClinVar:

ClinVar aggregate classification (germline): Uncertain significance (1 of 4 stars; one submission).

Submission:

GeneDx
Classification: Uncertain significance. Last evaluated: 2022-08-08. Review status: criteria provided, single submitter. Criteria: GeneDx Variant Classification Process June 2021. Collection method: clinical testing. Allele origin: germline. Affected: yes.
Comment: In silico analysis supports that this missense variant does not alter protein structure/function; Has not been previously published as pathogenic or benign to our knowledge

NM_052867.4(NALCN):c.5017C>T (p.Pro1673Ser)

Genes: NALCN (sodium leak channel, non-selective; minus strand), NALCN-AS1 (NALCN antisense RNA 1; plus strand). Cytogenetic location: 13q32.3.
Variant type: single nucleotide variant.
Coding change: c.5017C>T on transcript NM_052867.4 (MANE Select); coding-DNA position 5017, C replaced by T.
Protein change: p.Pro1673Ser; replaces proline 1673 with serine.
Molecular consequence: missense variant. On other transcripts: non-coding transcript variant (1).
Genome position (GRCh38, 1-based): chr13:101,057,945, G>A on the plus strand (C>T on the coding strand, the complement: NALCN is on the minus strand). VCF-style: chr13-101057945-G-A. GRCh37 (hg19) VCF-style: chr13-101710297-G-A.
Other names: c.5104C>T, p.Pro1702Ser (NM_001350748.2); c.5017C>T, p.Pro1673Ser (NM_001350749.2); c.4930C>T, p.Pro1644Ser (NM_001350750.2, NM_001350751.2); short protein forms P1644S, P1673S, P1702S.
Identifiers: ClinVar variation 2429678 (VCV002429678.1), dbSNP rs1379988455, ClinGen allele CA388643725.
Genomic context (GRCh38, chr13:101,057,945, plus strand): 5'-AGTAAATACCTTTAAAATGCCTCGATCGCTGGAGAAATGCCTGGATGGACCTACCTGAGG[G>A]CAGACGCCACTGCCCAAATTTCCTCTGGGGTTTCCCTGCGTCGGCTGCATCTTGCCGACT-3'
Protein context (NP_443099.1, residues 1663-1683): PQRKFGQWRL[Pro1673Ser]SAPKPISHSV